The following is an entry in ClinVar:

ClinVar aggregate classification (germline): Uncertain significance (1 of 4 stars; one submission).

Conditions:
Bloom syndrome (BLM). Also called: Bloom-Torre-Machacek syndrome. Identifiers: Orphanet 125, MedGen C0005859, MONDO:0008876, OMIM 210900.

Submission:

Labcorp Genetics (formerly Invitae), Labcorp
Classification: Uncertain significance for Bloom syndrome. Last evaluated: 2022-08-13. Review status: criteria provided, single submitter. Criteria: Invitae Variant Classification Sherloc (09022015). Collection method: clinical testing. Allele origin: germline.
Comment: This variant has not been reported in the literature in individuals affected with BLM-related conditions. In summary, the available evidence is currently insufficient to determine the role of this variant in disease. Therefore, it has been classified as a Variant of Uncertain Significance. Algorithms developed to predict the effect of missense changes on protein structure and function are either unavailable or do not agree on the potential impact of this missense change (SIFT: "Deleterious"; PolyPhen-2: "Benign"; Align-GVGD: "Class C0"). This variant is not present in population databases (gnomAD no frequency). This sequence change replaces methionine, which is neutral and non-polar, with threonine, which is neutral and polar, at codon 1111 of the BLM protein (p.Met1111Thr).

NM_000057.4(BLM):c.3332T>C (p.Met1111Thr)

Gene: BLM (BLM RecQ like helicase; plus strand). Cytogenetic location: 15q26.1.
Variant type: single nucleotide variant.
Coding change: c.3332T>C on transcript NM_000057.4 (MANE Select); coding-DNA position 3332, T replaced by C.
Protein change: p.Met1111Thr; replaces methionine 1111 with threonine.
Molecular consequence: missense variant.
Genome position (GRCh38, 1-based): chr15:90,798,311, T>C. VCF-style: chr15-90798311-T-C. GRCh37 (hg19) VCF-style: chr15-91341541-T-C.
Other names: c.3332T>C, p.Met1111Thr (NM_001287246.2, NM_001287247.2); c.2207T>C, p.Met736Thr (NM_001287248.2); short protein forms M1111T, M736T.
Identifiers: ClinVar variation 1715448 (VCV001715448.6), dbSNP rs2505534957, ClinGen allele CA393847354.